The following is an entry in ClinVar:

NM_000303.3(PMM2):c.*695C>T

Gene: PMM2 (phosphomannomutase 2; plus strand). Cytogenetic location: 16p13.2.
Variant type: single nucleotide variant.
Coding change: c.*695C>T on transcript NM_000303.3 (MANE Select); 695 bases downstream of the stop codon, C replaced by T.
Molecular consequence: 3 prime UTR variant.
Genome position (GRCh38, 1-based): chr16:8,848,520, C>T. VCF-style: chr16-8848520-C-T. GRCh37 (hg19) VCF-style: chr16-8942377-C-T.
Identifiers: ClinVar variation 885065 (VCV000885065.5), dbSNP rs767981809, ClinGen allele CA277500921.

ClinVar aggregate classification (germline): Uncertain significance (1 of 4 stars; one submission).

Conditions:
PMM2-congenital disorder of glycosylation. Also called: Congenital disorder of glycosylation, type Ia; PMM2-CDG; CDG Ia; JAEKEN SYNDROME; PHOSPHOMANNOMUTASE 2 DEFICIENCY; CARBOHYDRATE-DEFICIENT GLYCOPROTEIN SYNDROME, TYPE Ia. Identifiers: Orphanet 79318, MedGen C0349653, MONDO:0008907, OMIM 212065.

Allele frequency attached by ClinVar (database versions not stated): gnomAD 0.00003; TOPMed 0.00004.

Submission:

Illumina Laboratory Services, Illumina
Classification: Uncertain significance for PMM2-congenital disorder of glycosylation. Last evaluated: 2020-10-30. Review status: criteria provided, single submitter. Criteria: ICSLVariantClassificationCriteria RUGD 01 April 2020. Collection method: clinical testing. Allele origin: unknown.
Comment: The PMM2 c.*695C>T variant occurs in the 3-prime untranslated region. A literature search was performed for the gene, cDNA change, and amino acid change. No publications were found based on this search. This variant is not observed in version 2.1. of the Genome Aggregation Database. Based on the limited evidence, the c.*695C>T variant is classified as a variant of uncertain significance for congenital disorders of glycosylation.